The following is an entry in ClinVar:

ClinVar aggregate classification (germline): Likely benign (1 of 4 stars; one submission).

Allele frequency attached by ClinVar (database versions not stated): gnomAD 0.00002; gnomAD exomes 0.00003; TOPMed 0.00002; ExAC 0.00003.
gnomAD v4.1: 46 of 1,612,778 alleles (0.0029%); highest among the groups gnomAD compares: East Asian, 0.0045%; no homozygotes.

Submission:

Department of Human Genetics, University Hospital Magdeburg
Classification: Likely benign. Last evaluated: 2020-07-09. Review status: criteria provided, single submitter. Criteria: ACMG Guidelines, 2015. Collection method: clinical testing. Allele origin: maternal. Inheritance: Autosomal dominant inheritance. Observed: 1 variant allele.

NM_144670.6(A2ML1):c.3685C>T (p.His1229Tyr)

Gene: A2ML1 (alpha-2-macroglobulin like 1; plus strand). Cytogenetic location: 12p13.31.
Variant type: single nucleotide variant.
Coding change: c.3685C>T on transcript NM_144670.6 (MANE Select); coding-DNA position 3685, C replaced by T.
Protein change: p.His1229Tyr; replaces histidine 1229 with tyrosine.
Molecular consequence: missense variant.
Genome position (GRCh38, 1-based): chr12:8,863,976, C>T. VCF-style: chr12-8863976-C-T. GRCh37 (hg19) VCF-style: chr12-9016572-C-T.
Other names: c.2212C>T, p.His738Tyr (NM_001282424.3); short protein forms H1229Y, H738Y.
Identifiers: ClinVar variation 933223 (VCV000933223.1), dbSNP rs764222230, ClinGen allele CA6436443.